The following is an entry in ClinVar:

ClinVar aggregate classification (germline): Uncertain significance (1 of 4 stars; one submission).

Conditions:
COG7 congenital disorder of glycosylation (CDG2E). Also called: CONGENITAL DISORDER OF GLYCOSYLATION, TYPE IIe; CDG IIe. Identifiers: Orphanet 79333, MedGen C2931010, MONDO:0012118, OMIM 608779.

Allele frequency attached by ClinVar (database versions not stated): gnomAD 0.00001; TOPMed 0.00001; ExAC 0.00002; gnomAD exomes 0.00002; ESP Exome Variant Server 0.00008.
gnomAD v4.1: 27 of 1,595,946 alleles (0.0017%); highest among the groups gnomAD compares: Non-Finnish European, 0.0021%; no homozygotes.

Submission:

Labcorp Genetics (formerly Invitae), Labcorp
Classification: Uncertain significance for COG7 congenital disorder of glycosylation. Last evaluated: 2023-12-11. Review status: criteria provided, single submitter. Criteria: Invitae Variant Classification Sherloc (09022015). Collection method: clinical testing. Allele origin: germline.
Comment: This sequence change replaces phenylalanine, which is neutral and non-polar, with cysteine, which is neutral and slightly polar, at codon 436 of the COG7 protein (p.Phe436Cys). This variant is present in population databases (rs367733325, gnomAD 0.004%). This variant has not been reported in the literature in individuals affected with COG7-related conditions. Advanced modeling of protein sequence and biophysical properties (such as structural, functional, and spatial information, amino acid conservation, physicochemical variation, residue mobility, and thermodynamic stability) performed at Invitae indicates that this missense variant is not expected to disrupt COG7 protein function with a negative predictive value of 80%. In summary, the available evidence is currently insufficient to determine the role of this variant in disease. Therefore, it has been classified as a Variant of Uncertain Significance.

NM_153603.4(COG7):c.1307T>G (p.Phe436Cys)

Gene: COG7 (component of oligomeric golgi complex 7; minus strand). Cytogenetic location: 16p12.2.
Variant type: single nucleotide variant.
Coding change: c.1307T>G on transcript NM_153603.4 (MANE Select); coding-DNA position 1307, T replaced by G.
Protein change: p.Phe436Cys; replaces phenylalanine 436 with cysteine.
Molecular consequence: missense variant.
Genome position (GRCh38, 1-based): chr16:23,413,550, A>C on the plus strand (T>G on the coding strand, the complement: COG7 is on the minus strand). VCF-style: chr16-23413550-A-C. GRCh37 (hg19) VCF-style: chr16-23424871-A-C.
Other names: short protein forms F436C.
Identifiers: ClinVar variation 2911831 (VCV002911831.1), dbSNP rs367733325, ClinGen allele CA7961017.
Genomic context (GRCh38, chr16:23,413,550, plus strand): 5'-GAGTTGGGAGGAATGTGGTCCAGTTTGCACTTCTTTCGTATGGACTGGAGAGTGCTGGTG[A>C]AATCAGACACATACCTGCCGGGAAAGGGAAGAAAATGGTAGGGAGGTCACCACTGATTCC-3'
Protein context (NP_705831.1, residues 426-446): KSLFAKYVSD[Phe436Cys]TSTLQSIRKK